The following is an entry in ClinVar:

ClinVar aggregate classification (germline): Uncertain significance (1 of 4 stars; one submission).

Submission:

Ambry Genetics
Classification: Uncertain significance. Last evaluated: 2024-02-28. Review status: criteria provided, single submitter. Criteria: Ambry Variant Classification Scheme 2023. Collection method: clinical testing. Allele origin: germline.
Comment: The p.G1812V variant (also known as c.5435G>T), located in coding exon 16 of the POLQ gene, results from a G to T substitution at nucleotide position 5435. The glycine at codon 1812 is replaced by valine, an amino acid with dissimilar properties. This amino acid position is conserved. In addition, this alteration is predicted to be tolerated by in silico analysis. Based on the available evidence, the clinical significance of this alteration remains unclear.

NM_199420.4(POLQ):c.5435G>T (p.Gly1812Val)

Gene: POLQ (DNA polymerase theta; minus strand). Cytogenetic location: 3q13.33.
Variant type: single nucleotide variant.
Coding change: c.5435G>T on transcript NM_199420.4 (MANE Select); coding-DNA position 5435, G replaced by T.
Protein change: p.Gly1812Val; replaces glycine 1812 with valine.
Molecular consequence: missense variant.
Genome position (GRCh38, 1-based): chr3:121,487,496, C>A on the plus strand (G>T on the coding strand, the complement: POLQ is on the minus strand). VCF-style: chr3-121487496-C-A. GRCh37 (hg19) VCF-style: chr3-121206343-C-A.
Other names: short protein forms G1812V.
Identifiers: ClinVar variation 3230062 (VCV003230062.1), dbSNP rs2546784742, ClinGen allele CA354090190.
Genomic context (GRCh38, chr3:121,487,496, plus strand): 5'-CTTGCTACATCAATTATGGACAAACTTTCTGAACTGCTTGAGGCTGGAGTTAACTGTAAT[C>A]CATCCTGTGATAACTGAAGTGAAAAGCTTGTGTCACTAATAGGGCTGTTGTCTTTGAACC-3'
Protein context (NP_955452.3, residues 1802-1822): TSFSLQLSQD[Gly1812Val]LQLTPASSSS